The following is an entry in ClinVar:

NM_003873.7(NRP1):c.2335G>T (p.Val779Leu)

Gene: NRP1 (neuropilin 1; minus strand). Cytogenetic location: 10p11.22.
Variant type: single nucleotide variant.
Coding change: c.2335G>T on transcript NM_003873.7 (MANE Select); coding-DNA position 2335, G replaced by T.
Protein change: p.Val779Leu; replaces valine 779 with leucine.
Molecular consequence: missense variant. On other transcripts: non-coding transcript variant (1).
Genome position (GRCh38, 1-based): chr10:33,185,724, C>A on the plus strand (G>T on the coding strand, the complement: NRP1 is on the minus strand). VCF-style: chr10-33185724-C-A. GRCh37 (hg19) VCF-style: chr10-33474652-C-A.
Other names: c.2317G>T, p.Val773Leu (NM_001244972.2); c.2314G>T, p.Val772Leu (NM_001244973.2); c.2335G>T, p.Val779Leu (NM_001330068.2); short protein forms V772L, V779L, V773L.
Identifiers: ClinVar variation 4999436 (VCV004999436.1).
Genomic context (GRCh38, chr10:33,185,724, plus strand): 5'-TAATGTCATCCACAGCAATCCCACCAAGGTTTCCTTTTCCGATTTCGCCCTCGAAAATCA[C>A]CTAACAAAATAAGATCATTTTCACAGTATTGAAATGCTCATCTCACATGGCAGTGTTTAC-3'
Protein context (NP_003864.5, residues 769-789): LLHKSLKLYQ[Val779Leu]IFEGEIGKGN

ClinVar aggregate classification (germline): Uncertain significance (1 of 4 stars; one submission).

Conditions:
NRP1-related disorder. Also called: NRP1-related condition.

gnomAD v4.1: 2 of 1,612,716 alleles (0.00012%); highest among the groups gnomAD compares: Non-Finnish European, 0.00017%; no homozygotes.

Submission:

PreventionGenetics, part of Exact Sciences
Classification: Uncertain significance for NRP1-related condition. Last evaluated: 2024-11-15. Review status: criteria provided, single submitter. Criteria: ACMG Guidelines, 2015. Collection method: clinical testing. Allele origin: germline.
Comment: The NRP1 c.2335G>T variant is predicted to result in the amino acid substitution p.Val779Leu. To our knowledge, this variant has not been reported in the literature. This variant is reported in 0.00088% of alleles in individuals of European (Non-Finnish) descent in gnomAD. At this time, the clinical significance of this variant is uncertain due to the absence of conclusive functional and genetic evidence.